The following is an entry in ClinVar:

ClinVar aggregate classification (germline): Benign/Likely benign. Review status: criteria provided, multiple submitters, no conflicts (2 of 4 stars). 3 submissions from 3 submitters: Benign (1); Likely benign (2). Last evaluated 2026-07-09.

Conditions:
Rhabdoid tumor predisposition syndrome 2 (RTPS2). Identifiers: Orphanet 231108, Orphanet 69077, MedGen C2750074, MONDO:0013224, OMIM 613325.
Hereditary cancer-predisposing syndrome. Also called: Hereditary Cancer Syndrome; Hereditary neoplastic syndrome; Neoplastic Syndromes, Hereditary; Tumor predisposition. Identifiers: Orphanet 140162, MedGen C0027672, MeSH D009386, MONDO:0015356.

Allele frequency attached by ClinVar (database versions not stated): gnomAD 0.00001; gnomAD exomes 0.00001; TOPMed below 0.00001.

Submissions (3):

Myriad Genetics, Inc.
Classification: Benign for Rhabdoid tumor predisposition syndrome 2. Last evaluated: 2026-07-09. Review status: criteria provided, single submitter. Criteria: Myriad Autosomal Dominant, Autosomal Recessive and X-Linked Classification Criteria (2023). Collection method: clinical testing. Allele origin: unknown.
Comment: This variant is considered benign. This variant is a silent/synonymous amino acid change and it is not expected to impact splicing.

Labcorp Genetics (formerly Invitae), Labcorp
Classification: Likely benign for Rhabdoid tumor predisposition syndrome 2. Last evaluated: 2025-04-02. Review status: criteria provided, single submitter. Criteria: Invitae Variant Classification Sherloc (09022015). Collection method: clinical testing. Allele origin: germline.

Ambry Genetics
Classification: Likely benign for Hereditary cancer-predisposing syndrome. Last evaluated: 2021-04-30. Review status: criteria provided, single submitter. Criteria: Ambry Variant Classification Scheme 2023. Collection method: clinical testing. Allele origin: germline.

NM_003072.5(SMARCA4):c.612G>A (p.Val204=)

Gene: SMARCA4 (SWI/SNF related BAF chromatin remodeling complex subunit ATPase 4; plus strand). Cytogenetic location: 19p13.2.
Variant type: single nucleotide variant.
Coding change: c.612G>A on transcript NM_003072.5 (MANE Select); coding-DNA position 612, G replaced by A.
Protein change: p.Val204=; no amino-acid change (valine 204 retained).
Molecular consequence: synonymous variant. On other transcripts: non-coding transcript variant (1).
Genome position (GRCh38, 1-based): chr19:10,986,445, G>A. VCF-style: chr19-10986445-G-A. GRCh37 (hg19) VCF-style: chr19-11097121-G-A.
Other names: c.612G>A, p.Val204= (NM_001128844.3, NM_001128845.2, NM_001128846.2 and 5 more transcripts).
Identifiers: ClinVar variation 1138122 (VCV001138122.12), dbSNP rs1428709498, ClinGen allele CA505744018.